The following is an entry in ClinVar:

ClinVar aggregate classification (germline): Uncertain significance (1 of 4 stars; one submission).

Conditions:
Duchenne muscular dystrophy (DMD). Also called: MUSCULAR DYSTROPHY, PSEUDOHYPERTROPHIC PROGRESSIVE, DUCHENNE TYPE; Duchenne Muscular Dystrophy (DMD). Identifiers: Orphanet 98896, MedGen C0013264, MONDO:0010679, OMIM 310200.

Submission:

Labcorp Genetics (formerly Invitae), Labcorp
Classification: Uncertain significance for Duchenne muscular dystrophy. Last evaluated: 2022-08-16. Review status: criteria provided, single submitter. Criteria: Invitae Variant Classification Sherloc (09022015). Collection method: clinical testing. Allele origin: germline.
Comment: In summary, the available evidence is currently insufficient to determine the role of this variant in disease. Therefore, it has been classified as a Variant of Uncertain Significance. Experimental studies and prediction algorithms are not available or were not evaluated, and the functional significance of this variant is currently unknown. This variant has not been reported in the literature in individuals affected with DMD-related conditions. This variant results in a copy number gain of the genomic region encompassing exon(s) 75-79 of the DMD gene. This region includes the termination codon of the gene. This copy number gain extends beyond the assayed region for this gene and therefore may encompass additional genes. As the precise location of this event is unknown, it may be in tandem or it may be located elsewhere in the genome.

NC_000023.10:g.(?_31140036)_(31165655_?)dup

Gene: DMD (dystrophin; minus strand). Cytogenetic location: Xp21.2.
Variant type: Duplication.
Identifiers: ClinVar variation 1411065 (VCV001411065.6).